The following is an entry in ClinVar:

NM_000146.4(FTL):c.520C>T (p.His174Tyr)

Gene: FTL (ferritin light chain; plus strand). Cytogenetic location: 19q13.33.
Variant type: single nucleotide variant.
Coding change: c.520C>T on transcript NM_000146.4 (MANE Select); coding-DNA position 520, C replaced by T.
Protein change: p.His174Tyr; replaces histidine 174 with tyrosine.
Molecular consequence: missense variant.
Genome position (GRCh38, 1-based): chr19:48,966,727, C>T. VCF-style: chr19-48966727-C-T. GRCh37 (hg19) VCF-style: chr19-49469984-C-T.
Other names: short protein forms H174Y.
Identifiers: ClinVar variation 800272 (VCV000800272.11), dbSNP rs1803578, ClinGen allele CA9562597.

ClinVar aggregate classification (germline): Likely benign. Review status: criteria provided, multiple submitters, no conflicts (2 of 4 stars). 3 submissions from 3 submitters: Likely benign (2). 1 of the submissions does not count toward it. Last evaluated 2025-03-10.

Conditions:
FTL-related disorder. Also called: FTL-related condition.
Neuroferritinopathy (NBIA3). Also called: BASAL GANGLIA DISEASE, ADULT-ONSET; NEURODEGENERATION WITH BRAIN IRON ACCUMULATION 3. Identifiers: Orphanet 157846, MedGen C1853578, MONDO:0011638, OMIM 606159.
Hereditary hyperferritinemia with congenital cataracts. Also called: Hereditary hyperferritinemia cataract syndrome; Bonneau-Beaumont syndrome; HYPERFERRITINEMIA WITH OR WITHOUT CATARACT. Identifiers: Orphanet 163, MedGen C1833213, MONDO:0010952, OMIM 600886.
Inborn genetic diseases. Identifiers: MedGen C0950123, MeSH D030342.

Allele frequency attached by ClinVar (database versions not stated): gnomAD exomes 0.00003 and 0.00008; ExAC 0.00007; ESP Exome Variant Server 0.00015; 1000 Genomes Project 30x 0.00016; 1000 Genomes Project 0.00020; gnomAD 0.00038 and 0.00042; TOPMed 0.00042.
gnomAD v4.1: 102 of 1,612,964 alleles (0.0063%); highest among the groups gnomAD compares: African/African-American, 0.095%; no homozygotes.

Submissions (3):

Labcorp Genetics (formerly Invitae), Labcorp
Classification: Likely benign for Neuroferritinopathy; Hereditary hyperferritinemia with congenital cataracts. Last evaluated: 2025-03-10. Review status: criteria provided, single submitter. Criteria: Invitae Variant Classification Sherloc (09022015). Collection method: clinical testing. Allele origin: germline.

Ambry Genetics
Classification: Likely benign for Inborn genetic diseases. Last evaluated: 2022-09-27. Review status: criteria provided, single submitter. Criteria: Ambry Variant Classification Scheme 2023. Collection method: clinical testing. Allele origin: germline.

PreventionGenetics, part of Exact Sciences
Classification: Likely benign for FTL-related condition. Last evaluated: 2024-03-06. Review status: no assertion criteria provided. Collection method: clinical testing. Allele origin: germline. Not counted in ClinVar's aggregate classification.
Comment: This variant is classified as likely benign based on ACMG/AMP sequence variant interpretation guidelines (Richards et al. 2015 PMID: 25741868, with internal and published modifications).